The following is an entry in ClinVar:

ClinVar aggregate classification (germline): Uncertain significance. Review status: criteria provided, multiple submitters, no conflicts (2 of 4 stars). 5 submissions from 5 submitters: Uncertain significance (5). Last evaluated 2026-01-07.

Conditions:
Inborn genetic diseases. Identifiers: MedGen C0950123, MeSH D030342.
Early-infantile DEE. Also called: Early infantile epileptic encephalopathy; Ohtahara syndrome; Early infantile epileptic encephalopathy with suppression bursts. Identifiers: Orphanet 1934, MedGen C0393706, MONDO:0800491.
Developmental and epileptic encephalopathy, 5 (DEE5). Identifiers: Orphanet 3451, MedGen C3150731, MONDO:0013277, OMIM 613477.

Allele frequency attached by ClinVar (database versions not stated): TOPMed below 0.00001; gnomAD exomes 0.00001.

Submissions (5):

Labcorp Genetics (formerly Invitae), Labcorp
Classification: Uncertain significance for Early-infantile DEE. Last evaluated: 2026-01-07. Review status: criteria provided, single submitter. Criteria: Invitae Variant Classification Sherloc (09022015). Collection method: clinical testing. Allele origin: germline.
Comment: This sequence change replaces glutamine, which is neutral and polar, with lysine, which is basic and polar, at codon 1418 of the SPTAN1 protein (p.Gln1418Lys). This variant is not present in population databases (gnomAD no frequency). This variant has not been reported in the literature in individuals affected with SPTAN1-related conditions. ClinVar contains an entry for this variant (Variation ID: 588906). Invitae Evidence Modeling of protein sequence and biophysical properties (such as structural, functional, and spatial information, amino acid conservation, physicochemical variation, residue mobility, and thermodynamic stability) has been performed for this missense variant. However, the output from this modeling did not meet the statistical confidence thresholds required to predict the impact of this variant on SPTAN1 protein function. In summary, the available evidence is currently insufficient to determine the role of this variant in disease. Therefore, it has been classified as a Variant of Uncertain Significance.

Blueprint Genetics
Classification: Uncertain significance. Last evaluated: 2023-11-01. Review status: criteria provided, single submitter. Criteria: ACMG Guidelines, 2015. Collection method: clinical testing. Allele origin: germline.

Ambry Genetics
Classification: Uncertain significance for Inborn genetic diseases. Last evaluated: 2022-07-05. Review status: criteria provided, single submitter. Criteria: Ambry Variant Classification Scheme 2023. Collection method: clinical testing. Allele origin: germline.

Genome-Nilou Lab
Classification: Uncertain significance for Developmental and epileptic encephalopathy, 5. Last evaluated: 2021-07-15. Review status: criteria provided, single submitter. Criteria: ACMG Guidelines, 2015. Collection method: clinical testing. Allele origin: germline. Affected: no.

CeGaT Center for Human Genetics Tuebingen
Classification: Uncertain significance. Last evaluated: 2018-07-01. Review status: criteria provided, single submitter. Criteria: CeGaT Center For Human Genetics Tuebingen Variant Classification Criteria Version 2. Collection method: clinical testing. Allele origin: germline. Affected: yes. Observed: 1 variant allele.

NM_001130438.3(SPTAN1):c.4252C>A (p.Gln1418Lys)

Gene: SPTAN1 (spectrin alpha, non-erythrocytic 1; plus strand). Cytogenetic location: 9q34.11.
Variant type: single nucleotide variant.
Coding change: c.4252C>A on transcript NM_001130438.3 (MANE Select); coding-DNA position 4252, C replaced by A.
Protein change: p.Gln1418Lys; replaces glutamine 1418 with lysine.
Molecular consequence: missense variant.
Genome position (GRCh38, 1-based): chr9:128,607,957, C>A. VCF-style: chr9-128607957-C-A. GRCh37 (hg19) VCF-style: chr9-131370236-C-A.
Other names: c.4192C>A, p.Gln1398Lys (NM_001195532.2, NM_001363765.2); c.4252C>A, p.Gln1418Lys (NM_001363759.2, NM_003127.4); short protein forms Q1418K, Q1398K.
Identifiers: ClinVar variation 588906 (VCV000588906.56), dbSNP rs1156309213, ClinGen allele CA375066567.
Genomic context (GRCh38, chr9:128,607,957, plus strand): 5'-TTTGAGCAGTTTGGACAGCAGCTGTTGGCTCACGGACACTATGCCAGCCCTGAGATCAAG[C>A]AGAAACTTGATATTCTTGACCAGGAGCGTGCAGACCTGGAGAAGGCCTGGGTTCAGCGCA-3'
Protein context (NP_001123910.1, residues 1408-1428): HGHYASPEIK[Gln1418Lys]KLDILDQERA